The following is an entry in ClinVar:

ClinVar aggregate classification (germline): Uncertain significance (1 of 4 stars; one submission).

Conditions:
TTN-related disorder. Also called: TTN-related disorders; TTN-related condition; TTN-related disease.

gnomAD v4.1: 9 of 1,613,248 alleles (0.00056%); highest among the groups gnomAD compares: South Asian, 0.0077%; 1 homozygote.

Submission:

PreventionGenetics, part of Exact Sciences
Classification: Uncertain significance for TTN-related condition. Last evaluated: 2024-12-06. Review status: criteria provided, single submitter. Criteria: ACMG Guidelines, 2015. Collection method: clinical testing. Allele origin: germline.
Comment: The TTN c.14287A>G variant is predicted to result in the amino acid substitution p.Ile4763Val. To our knowledge, this variant has not been reported in the literature. This variant is reported in 0.0065% of alleles in individuals of South Asian descent in gnomAD. At this time, the clinical significance of this variant is uncertain due to the absence of conclusive functional and genetic evidence.

NM_001267550.2(TTN):c.11311+5011A>G

Genes: TTN (titin; minus strand), LOC126806432 (CDK7 strongly-dependent group 2 enhancer GRCh37_chr2:179611985-179613184; plus strand). Cytogenetic location: 2q31.2.
Variant type: single nucleotide variant.
Coding change: c.11311+5011A>G on transcript NM_001267550.2 (MANE Select); 5011 bases into the intron after coding-DNA position 11311, A replaced by G.
Molecular consequence: intron variant. On other transcripts: missense variant (1).
Genome position (GRCh38, 1-based): chr2:178,748,113, T>C on the plus strand (A>G on the coding strand, the complement: TTN is on the minus strand). VCF-style: chr2-178748113-T-C. GRCh37 (hg19) VCF-style: chr2-179612840-T-C.
Other names: c.14287A>G, p.Ile4763Val (NM_133379.5); c.10222+5011A>G (NM_003319.4); c.10798+5011A>G (NM_133437.4); c.10597+5011A>G (NM_133432.3); c.10360+5011A>G (NM_133378.4, NM_001256850.1); short protein forms I4763V.
Identifiers: ClinVar variation 4983627 (VCV004983627.1).